The following is an entry in ClinVar:

NM_152564.5(VPS13B):c.4130G>T (p.Ser1377Ile)

Gene: VPS13B (vacuolar protein sorting 13 homolog B; plus strand). Cytogenetic location: 8q22.2.
Variant type: single nucleotide variant.
Coding change: c.4130G>T on transcript NM_152564.5 (MANE Select); coding-DNA position 4130, G replaced by T.
Protein change: p.Ser1377Ile; replaces serine 1377 with isoleucine.
Molecular consequence: missense variant.
Genome position (GRCh38, 1-based): chr8:99,502,923, G>T. VCF-style: chr8-99502923-G-T. GRCh37 (hg19) VCF-style: chr8-100515151-G-T.
Other names: c.4130G>T, p.Ser1377Ile (NM_017890.5); short protein forms S1377I.
Identifiers: ClinVar variation 1371250 (VCV001371250.6), dbSNP rs2133613470, ClinGen allele CA371870086.

ClinVar aggregate classification (germline): Uncertain significance (1 of 4 stars; one submission).

Conditions:
Cohen syndrome (COH1). Also called: PEPPER SYNDROME; Cutis verticis gyrata, retinitis pigmentosa, and sensorineural deafness. Identifiers: Orphanet 193, MedGen C0265223, MONDO:0008999, OMIM 216550.

Submission:

Labcorp Genetics (formerly Invitae), Labcorp
Classification: Uncertain significance for Cohen syndrome. Last evaluated: 2023-08-06. Review status: criteria provided, single submitter. Criteria: Invitae Variant Classification Sherloc (09022015). Collection method: clinical testing. Allele origin: germline.
Comment: ClinVar contains an entry for this variant (Variation ID: 1371250). Advanced modeling of protein sequence and biophysical properties (such as structural, functional, and spatial information, amino acid conservation, physicochemical variation, residue mobility, and thermodynamic stability) performed at Invitae indicates that this missense variant is expected to disrupt VPS13B protein function. In summary, the available evidence is currently insufficient to determine the role of this variant in disease. Therefore, it has been classified as a Variant of Uncertain Significance. This variant has not been reported in the literature in individuals affected with VPS13B-related conditions. This sequence change replaces serine, which is neutral and polar, with isoleucine, which is neutral and non-polar, at codon 1377 of the VPS13B protein (p.Ser1377Ile). This variant is not present in population databases (gnomAD no frequency).